The following is an entry in ClinVar:

ClinVar aggregate classification (germline): Conflicting classifications of pathogenicity. Review status: criteria provided, conflicting classifications (1 of 4 stars). 3 submissions from 3 submitters: Uncertain significance (2); Likely benign (1). Last evaluated 2026-01-19.

Conditions:
Inborn genetic diseases. Identifiers: MedGen C0950123, MeSH D030342.

Allele frequency attached by ClinVar (database versions not stated): gnomAD 0.00001 and 0.00002; TOPMed 0.00003; gnomAD exomes 0.00004 and 0.00016; ESP Exome Variant Server 0.00008; ExAC 0.00010.
gnomAD v4.1: 61 of 1,613,660 alleles (0.0038%); highest among the groups gnomAD compares: Admixed American, 0.072%; 1 homozygote.

Submissions (3):

Labcorp Genetics (formerly Invitae), Labcorp
Classification: Likely benign. Last evaluated: 2026-01-19. Review status: criteria provided, single submitter. Criteria: Invitae Variant Classification Sherloc (09022015). Collection method: clinical testing. Allele origin: germline.

GeneDx
Classification: Uncertain significance. Last evaluated: 2025-09-10. Review status: criteria provided, single submitter. Criteria: GeneDx Variant Classification Process June 2021. Collection method: clinical testing. Allele origin: germline.
Comment: In silico analysis suggests that this missense variant does not alter protein structure/function; Has not been previously published as pathogenic or benign to our knowledge

Ambry Genetics
Classification: Uncertain significance for Inborn genetic diseases. Last evaluated: 2024-09-26. Review status: criteria provided, single submitter. Criteria: Ambry Variant Classification Scheme 2023. Collection method: clinical testing. Allele origin: germline.

NM_003477.3(PDHX):c.1496G>A (p.Arg499Gln)

Gene: PDHX (pyruvate dehydrogenase complex component X; plus strand). Cytogenetic location: 11p13.
Variant type: single nucleotide variant.
Coding change: c.1496G>A on transcript NM_003477.3 (MANE Select); coding-DNA position 1496, G replaced by A.
Protein change: p.Arg499Gln; replaces arginine 499 with glutamine.
Molecular consequence: missense variant.
Genome position (GRCh38, 1-based): chr11:34,995,162, G>A. VCF-style: chr11-34995162-G-A. GRCh37 (hg19) VCF-style: chr11-35016709-G-A.
Other names: c.1496G>A (NM_003477.2); c.1316G>A, p.Arg439Gln (NM_001135024.2); c.815G>A, p.Arg272Gln (NM_001166158.2); short protein forms R272Q, R439Q, R499Q.
Identifiers: ClinVar variation 1562964 (VCV001562964.11), dbSNP rs377638805, ClinGen allele CA5946208.
Genomic context (GRCh38, chr11:34,995,162, plus strand): 5'-ATGACGAACTGGCAACCAGGTTTCTTAAAAGTTTTAAAGCAAACCTAGAGAATCCTATCC[G>A]ACTTGCCTAGTCCTCAAAGATAAGAAGTTGGTGTTCAGCTTAGTTGATTCAGTAGTTGTT-3'
Protein context (NP_003468.2, residues 489-501): SFKANLENPI[Arg499Gln]LA